The following is an entry in ClinVar:

ClinVar aggregate classification (germline): Benign/Likely benign. Review status: criteria provided, multiple submitters, no conflicts (2 of 4 stars). 3 submissions from 3 submitters: Benign (1); Likely benign (1). 1 of the submissions does not count toward it. Last evaluated 2025-06-12.

Conditions:
FAT2-related disorder. Also called: FAT2-related condition.

Allele frequency attached by ClinVar (database versions not stated): ExAC 0.00028; 1000 Genomes Project 0.00060; 1000 Genomes Project 30x 0.00062; ESP Exome Variant Server 0.00077; gnomAD 0.00082; TOPMed 0.00096.
gnomAD v4.1: 240 of 1,600,472 alleles (0.015%); highest among the groups gnomAD compares: African/African-American, 0.29%; 2 homozygotes.

Submissions (3):

Labcorp Genetics (formerly Invitae), Labcorp
Classification: Benign. Last evaluated: 2025-06-12. Review status: criteria provided, single submitter. Criteria: Invitae Variant Classification Sherloc (09022015). Collection method: clinical testing. Allele origin: germline.

Blueprint Genetics
Classification: Likely benign. Last evaluated: 2024-09-20. Review status: criteria provided, single submitter. Criteria: ACMG Guidelines, 2015. Collection method: clinical testing. Allele origin: germline.

PreventionGenetics, part of Exact Sciences
Classification: Likely benign for FAT2-related condition. Last evaluated: 2019-06-12. Review status: no assertion criteria provided. Collection method: clinical testing. Allele origin: germline. Not counted in ClinVar's aggregate classification.
Comment: This variant is classified as likely benign based on ACMG/AMP sequence variant interpretation guidelines (Richards et al. 2015 PMID: 25741868, with internal and published modifications).

NM_001447.3(FAT2):c.3231C>T (p.Leu1077=)

Gene: FAT2 (FAT atypical cadherin 2; minus strand). Cytogenetic location: 5q33.1.
Variant type: single nucleotide variant.
Coding change: c.3231C>T on transcript NM_001447.3 (MANE Select); coding-DNA position 3231, C replaced by T.
Protein change: p.Leu1077=; no amino-acid change (leucine 1077 retained).
Molecular consequence: synonymous variant.
Genome position (GRCh38, 1-based): chr5:151,565,701, G>A on the plus strand (C>T on the coding strand, the complement: FAT2 is on the minus strand). VCF-style: chr5-151565701-G-A. GRCh37 (hg19) VCF-style: chr5-150945262-G-A.
Other names: c.3231C>T (NM_001447.2).
Identifiers: ClinVar variation 2059557 (VCV002059557.7), dbSNP rs80327841, ClinGen allele CA3521893.
Genomic context (GRCh38, chr5:151,565,701, plus strand): 5'-CCTGGCACCCCACCCTACCCCACCCCCAGTACCTGTATCTTGGTTGATGCTGAAGGCTGC[G>A]AGTCCAGTGCCAGCACGCAGGAAGTACTGGAGCTCCCCATCCAAGCCACTGTCATCGTCC-3'
Protein context (NP_001438.1, residues 1067-1087): LQYFLRAGTG[Leu1077=]AAFSINQDTG